The following is an entry in ClinVar:

ClinVar aggregate classification (germline): Likely benign. Review status: criteria provided, multiple submitters, no conflicts (2 of 4 stars). 2 submissions from 2 submitters: Likely benign (2). Last evaluated 2024-12-20.

Conditions:
LMOD2-related condition.

Submissions (2):

PreventionGenetics, part of Exact Sciences
Classification: Likely benign for LMOD2-related condition. Last evaluated: 2024-12-20. Review status: criteria provided, single submitter. Criteria: ACMG Guidelines, 2015. Collection method: clinical testing. Allele origin: germline.
Comment: This variant is classified as likely benign based on ACMG/AMP sequence variant interpretation guidelines (Richards et al. 2015 PMID: 25741868, with internal and published modifications).

Blueprint Genetics
Classification: Likely benign. Last evaluated: 2024-11-22. Review status: criteria provided, single submitter. Criteria: ACMG Guidelines, 2015. Collection method: clinical testing. Allele origin: germline.

NM_207163.3(LMOD2):c.1278TCC[4] (p.Pro433del)

Gene: LMOD2 (leiomodin 2; plus strand). Cytogenetic location: 7q31.32.
Variant type: Microsatellite.
Coding change: c.1278TCC[4] on transcript NM_207163.3 (MANE Select); four copies in a row of the 3-base unit TCC starting at c.1278; the reference has five copies in a row; one copy, 3 bases deleted.
Protein change: p.Pro433del; deletes proline 433.
Genome position (GRCh38, 1-based): chr7:123,662,876-123,662,878, TCC deleted; deleting any 3 consecutive bases within chr7:123,662,862-123,662,878 gives the same sequence; the position shown is the placement nearest the transcript's 3' end. VCF-style (leftmost placement, unchanged base first): chr7-123662861-CCCT-C. GRCh37 (hg19) VCF-style: chr7-123302915-CCCT-C.
Other names: c.1290_1292delTCC (NM_207163.1); short protein forms P433del.
Identifiers: ClinVar variation 4897659 (VCV004897659.2).